The following is an entry in ClinVar:

NM_001009944.3(PKD1):c.650C>T (p.Thr217Ile)

Gene: PKD1 (polycystin 1, transient receptor potential channel interacting; minus strand). Cytogenetic location: 16p13.3.
Variant type: single nucleotide variant.
Coding change: c.650C>T on transcript NM_001009944.3 (MANE Select); coding-DNA position 650, C replaced by T.
Protein change: p.Thr217Ile; replaces threonine 217 with isoleucine.
Molecular consequence: missense variant.
Genome position (GRCh38, 1-based): chr16:2,118,342, G>A on the plus strand (C>T on the coding strand, the complement: PKD1 is on the minus strand). VCF-style: chr16-2118342-G-A. GRCh37 (hg19) VCF-style: chr16-2168343-G-A.
Other names: c.650C>T, p.Thr217Ile (NM_000296.4); short protein forms T217I.
Identifiers: ClinVar variation 2530584 (VCV002530584.3), dbSNP rs1157840279, ClinGen allele CA394394704.

ClinVar aggregate classification (germline): Uncertain significance. Review status: criteria provided, multiple submitters, no conflicts (2 of 4 stars). 2 submissions from 2 submitters: Uncertain significance (2). Last evaluated 2023-10-06.

Conditions:
Inborn genetic diseases. Identifiers: MedGen C0950123, MeSH D030342.

Allele frequency attached by ClinVar (database versions not stated): gnomAD exomes below 0.00001; TOPMed below 0.00001; gnomAD 0.00001.
gnomAD v4.1: 6 of 1,454,830 alleles (0.00041%); highest among the groups gnomAD compares: Non-Finnish European, 0.00047%; no homozygotes.

Submissions (2):

GeneDx
Classification: Uncertain significance. Last evaluated: 2023-10-06. Review status: criteria provided, single submitter. Criteria: GeneDx Variant Classification Process June 2021. Collection method: clinical testing. Allele origin: germline. Affected: yes.
Comment: In silico analysis supports that this missense variant does not alter protein structure/function; Has not been previously published as pathogenic or benign to our knowledge

Ambry Genetics
Classification: Uncertain significance for Inborn genetic diseases. Last evaluated: 2023-03-28. Review status: criteria provided, single submitter. Criteria: Ambry Variant Classification Scheme 2023. Collection method: clinical testing. Allele origin: germline.